The following is an entry in ClinVar:

ClinVar aggregate classification (germline): Uncertain significance (1 of 4 stars; one submission).

Conditions:
Combined oxidative phosphorylation defect type 17. Also called: Combined oxidative phosphorylation deficiency 17. Identifiers: Orphanet 369913, MedGen C3809526, MONDO:0014190, OMIM 615440.

Submission:

Labcorp Genetics (formerly Invitae), Labcorp
Classification: Uncertain significance for Combined oxidative phosphorylation defect type 17. Last evaluated: 2022-01-16. Review status: criteria provided, single submitter. Criteria: Invitae Variant Classification Sherloc (09022015). Collection method: clinical testing. Allele origin: germline.
Comment: In summary, the available evidence is currently insufficient to determine the role of this variant in disease. Therefore, it has been classified as a Variant of Uncertain Significance. Algorithms developed to predict the effect of missense changes on protein structure and function (SIFT, PolyPhen-2, Align-GVGD) all suggest that this variant is likely to be tolerated. This variant has not been reported in the literature in individuals affected with ELAC2-related conditions. This variant is not present in population databases (gnomAD no frequency). This sequence change replaces arginine, which is basic and polar, with glycine, which is neutral and non-polar, at codon 202 of the ELAC2 protein (p.Arg202Gly).

NM_018127.7(ELAC2):c.604A>G (p.Arg202Gly)

Gene: ELAC2 (elaC ribonuclease Z 2; minus strand). Cytogenetic location: 17p12.
Variant type: single nucleotide variant.
Coding change: c.604A>G on transcript NM_018127.7 (MANE Select); coding-DNA position 604, A replaced by G.
Protein change: p.Arg202Gly; replaces arginine 202 with glycine.
Molecular consequence: missense variant. On other transcripts: intron variant (1).
Genome position (GRCh38, 1-based): chr17:13,011,738, T>C on the plus strand (A>G on the coding strand, the complement: ELAC2 is on the minus strand). VCF-style: chr17-13011738-T-C. GRCh37 (hg19) VCF-style: chr17-12915055-T-C.
Other names: c.604A>G, p.Arg202Gly (NM_173717.2); c.560-1067A>G (NM_001165962.2); short protein forms R202G.
Identifiers: ClinVar variation 2086304 (VCV002086304.4), dbSNP rs2508356380, ClinGen allele CA398217521.